The following is an entry in ClinVar:

NM_004046.6(ATP5F1A):c.1374A>G (p.Gln458=)

Gene: ATP5F1A (ATP synthase F1 subunit alpha; minus strand). Cytogenetic location: 18q21.1.
Variant type: single nucleotide variant.
Coding change: c.1374A>G on transcript NM_004046.6 (MANE Select); coding-DNA position 1374, A replaced by G.
Protein change: p.Gln458=; no amino-acid change (glutamine 458 retained).
Molecular consequence: synonymous variant.
Genome position (GRCh38, 1-based): chr18:46,086,168, T>C on the plus strand (A>G on the coding strand, the complement: ATP5F1A is on the minus strand). VCF-style: chr18-46086168-T-C. GRCh37 (hg19) VCF-style: chr18-43666134-T-C.
Other names: c.1224A>G, p.Gln408= (NM_001001935.3, NM_001257335.2); c.1374A>G, p.Gln458= (NM_001001937.2); c.1308A>G, p.Gln436= (NM_001257334.2).
Identifiers: ClinVar variation 4745691 (VCV004745691.5).

ClinVar aggregate classification (germline): Benign/Likely benign. Review status: criteria provided, multiple submitters, no conflicts (2 of 4 stars). 2 submissions from 2 submitters: Benign (1); Likely benign (1). Last evaluated 2026-02-01.

gnomAD v4.1: 67 of 1,612,340 alleles (0.0042%); highest among the groups gnomAD compares: African/African-American, 0.067%; no homozygotes.

Submissions (2):

CeGaT Center for Human Genetics Tuebingen
Classification: Likely benign. Last evaluated: 2026-02-01. Review status: criteria provided, single submitter. Criteria: CeGaT Center For Human Genetics Tuebingen Variant Classification Criteria Version 2. Collection method: clinical testing. Allele origin: germline. Affected: yes. Observed: 1 variant allele.
Comment: ATP5F1A: BP4, BP7

Labcorp Genetics (formerly Invitae), Labcorp
Classification: Benign. Last evaluated: 2025-10-31. Review status: criteria provided, single submitter. Criteria: Invitae Variant Classification Sherloc (09022015). Collection method: clinical testing. Allele origin: germline.